The following is an entry in ClinVar:

ClinVar aggregate classification (germline): Benign. Review status: criteria provided, multiple submitters, no conflicts (2 of 4 stars). 5 submissions from 5 submitters: Benign (5). Last evaluated 2026-02-02.

Conditions:
Autosomal recessive nonsyndromic hearing loss 44. Also called: Deafness, autosomal recessive 44. Identifiers: Orphanet 90636, MedGen C1857809, MONDO:0012421, OMIM 610154.

Allele frequency attached by ClinVar (database versions not stated): gnomAD exomes 0.14431 and 0.14658; ExAC 0.14902; 1000 Genomes Project 0.16713; 1000 Genomes Project 30x 0.17630; gnomAD 0.19653 and 0.20517; TOPMed 0.20800; ESP Exome Variant Server 0.21406.
gnomAD v4.1: 121,291 of 780,528 alleles (16%); highest among the groups gnomAD compares: African/African-American, 32%; 11,205 homozygotes.

Submissions (5):

Labcorp Genetics (formerly Invitae), Labcorp
Classification: Benign. Last evaluated: 2026-02-02. Review status: criteria provided, single submitter. Criteria: Invitae Variant Classification Sherloc (09022015). Collection method: clinical testing. Allele origin: germline.

Genome-Nilou Lab
Classification: Benign for Autosomal recessive nonsyndromic hearing loss 44. Last evaluated: 2021-07-14. Review status: criteria provided, single submitter. Criteria: ACMG Guidelines, 2015. Collection method: clinical testing. Allele origin: germline. Affected: no.

Mayo Clinic Laboratories, Mayo Clinic
Classification: Benign. Last evaluated: 2019-05-16. Review status: criteria provided, single submitter. Criteria: ACMG Guidelines, 2015. Collection method: clinical testing. Allele origin: germline. Observed: 58 variant alleles.

GeneDx
Classification: Benign. Last evaluated: 2018-11-10. Review status: criteria provided, single submitter. Criteria: GeneDx Variant Classification Process June 2021. Collection method: clinical testing. Allele origin: germline. Affected: yes.

Laboratory for Molecular Medicine, Mass General Brigham Personalized Medicine
Classification: Benign. Last evaluated: 2017-08-23. Review status: criteria provided, single submitter. Criteria: LMM Criteria. Collection method: clinical testing. Allele origin: germline. Observed: 93 variant alleles.
Comment: p.Arg1030Arg in exon 20 of ADCY1: This variant is not expected to have clinical significance because it does not alter an amino acid residue, is not located wit hin the splice consensus sequence, and has been identified in 31.47% (3265/10374 ) of African chromosomes by the Exome Aggregation Consortium (ExAC.; dbSNP rs2293106).

NM_021116.4(ADCY1):c.3090G>A (p.Arg1030=)

Gene: ADCY1 (adenylate cyclase 1; plus strand). Cytogenetic location: 7p12.3.
Variant type: single nucleotide variant.
Coding change: c.3090G>A on transcript NM_021116.4 (MANE Select); coding-DNA position 3090, G replaced by A.
Protein change: p.Arg1030=; no amino-acid change (arginine 1030 retained).
Molecular consequence: synonymous variant.
Genome position (GRCh38, 1-based): chr7:45,713,725, G>A. VCF-style: chr7-45713725-G-A. GRCh37 (hg19) VCF-style: chr7-45753324-G-A.
Other names: p.Arg1030=.
Identifiers: ClinVar variation 517532 (VCV000517532.18), dbSNP rs2293106, ClinGen allele CA4249432.